The following is an entry in ClinVar:

NM_001085458.2(CTNND1):c.946C>T (p.Arg316Trp)

Genes: CTNND1 (catenin delta 1; plus strand), TMX2-CTNND1 (TMX2-CTNND1 readthrough (NMD candidate); plus strand). Cytogenetic location: 11q12.1.
Variant type: single nucleotide variant.
Coding change: c.946C>T on transcript NM_001085458.2 (MANE Select); coding-DNA position 946, C replaced by T.
Protein change: p.Arg316Trp; replaces arginine 316 with tryptophan.
Molecular consequence: missense variant. On other transcripts: non-coding transcript variant (1).
Genome position (GRCh38, 1-based): chr11:57,796,982, C>T. VCF-style: chr11-57796982-C-T. GRCh37 (hg19) VCF-style: chr11-57564454-C-T.
Other names: c.946C>T, p.Arg316Trp (NM_001085459.2, NM_001085460.2, NM_001085461.2 and 3 more transcripts); c.643C>T, p.Arg215Trp (NM_001085463.2, NM_001085464.2, NM_001085465.2 and 5 more transcripts); c.784C>T, p.Arg262Trp (NM_001206891.2, NM_001206883.2, NM_001206884.2 and 4 more transcripts); short protein forms R215W, R262W, R316W.
Identifiers: ClinVar variation 2337790 (VCV002337790.16), dbSNP rs752588844, ClinGen allele CA6010337.

ClinVar aggregate classification (germline): Uncertain significance. Review status: criteria provided, multiple submitters, no conflicts (2 of 4 stars). 3 submissions from 3 submitters: Uncertain significance (3). Last evaluated 2026-06-03.

Conditions:
CTNND1-related disorder. Also called: CTNND1-related condition.
Inborn genetic diseases. Identifiers: MedGen C0950123, MeSH D030342.

Allele frequency attached by ClinVar (database versions not stated): ExAC 0.00001; gnomAD 0.00002; TOPMed 0.00002; gnomAD exomes 0.00003.

Submissions (3):

PreventionGenetics, part of Exact Sciences
Classification: Uncertain significance for CTNND1-related condition. Last evaluated: 2026-06-03. Review status: criteria provided, single submitter. Criteria: ACMG Guidelines, 2015. Collection method: clinical testing. Allele origin: germline.
Comment: The CTNND1 c.946C>T variant is predicted to result in the amino acid substitution p.Arg316Trp. To our knowledge, this variant has not been reported in the literature. This variant is reported in 0.0020% of alleles in individuals of European (Non-Finnish) descent in gnomAD. At this time, the clinical significance of this variant is uncertain due to the absence of conclusive functional and genetic evidence.

Ambry Genetics
Classification: Uncertain significance for Inborn genetic diseases. Last evaluated: 2025-11-24. Review status: criteria provided, single submitter. Criteria: Ambry Variant Classification Scheme 2023. Collection method: clinical testing. Allele origin: germline.

CeGaT Center for Human Genetics Tuebingen
Classification: Uncertain significance. Last evaluated: 2025-02-01. Review status: criteria provided, single submitter. Criteria: CeGaT Center For Human Genetics Tuebingen Variant Classification Criteria Version 2. Collection method: clinical testing. Allele origin: germline. Affected: yes. Observed: 1 variant allele.